The following is an entry in ClinVar:

NM_001267550.2(TTN):c.3989G>A (p.Arg1330His)

Genes: TTN (titin; minus strand), LOC101927055 (uncharacterized LOC101927055; plus strand). Cytogenetic location: 2q31.2.
Variant type: single nucleotide variant.
Coding change: c.3989G>A on transcript NM_001267550.2 (MANE Select); coding-DNA position 3989, G replaced by A.
Protein change: p.Arg1330His; replaces arginine 1330 with histidine.
Molecular consequence: missense variant.
Genome position (GRCh38, 1-based): chr2:178,779,093, C>T on the plus strand (G>A on the coding strand, the complement: TTN is on the minus strand). VCF-style: chr2-178779093-C-T. GRCh37 (hg19) VCF-style: chr2-179643820-C-T.
Other names: p.R1330H:CGC>CAC; c.3989G>A, p.Arg1330His (NM_133378.4, NM_133379.5, NM_001256850.1); c.3851G>A, p.Arg1284His (NM_003319.4, NM_133432.3, NM_133437.4); short protein forms R1330H, R1284H.
Identifiers: ClinVar variation 203122 (VCV000203122.18), dbSNP rs761402128, ClinGen allele CA311314.

ClinVar aggregate classification (germline): Conflicting classifications of pathogenicity. Review status: criteria provided, conflicting classifications (1 of 4 stars). 9 submissions from 9 submitters: Uncertain significance (5); Likely benign (1). 3 of the submissions do not count toward it. Last evaluated 2024-12-20.

Conditions:
Cardiovascular phenotype. Identifiers: MedGen CN230736.
Autosomal recessive limb-girdle muscular dystrophy type 2J (LGMDR10). Also called: MUSCULAR DYSTROPHY, LIMB-GIRDLE, AUTOSOMAL RECESSIVE 10; Limb-girdle muscular dystrophy, type 2J. Identifiers: Orphanet 140922, MedGen C1837342, MONDO:0012127, OMIM 608807.
Dilated cardiomyopathy 1G (CMD1G). Identifiers: Orphanet 154, MedGen C1858763, MONDO:0011400, OMIM 604145.

Allele frequency attached by ClinVar (database versions not stated): gnomAD 0.00002; ExAC 0.00003; TOPMed 0.00003; gnomAD exomes 0.00004.
gnomAD v4.1: 66 of 1,613,664 alleles (0.0041%); highest among the groups gnomAD compares: East Asian, 0.0089%; no homozygotes.

Submissions (9):

Revvity Omics, Revvity
Classification: Uncertain significance. Last evaluated: 2024-12-20. Review status: criteria provided, single submitter. Criteria: ACMG Guidelines, 2015. Collection method: clinical testing. Allele origin: germline.

Blueprint Genetics
Classification: Uncertain significance. Last evaluated: 2024-10-23. Review status: criteria provided, single submitter. Criteria: ACMG Guidelines, 2015. Collection method: clinical testing. Allele origin: germline.

Ambry Genetics
Classification: Uncertain significance for Cardiovascular phenotype. Last evaluated: 2020-09-10. Review status: criteria provided, single submitter. Criteria: Ambry Variant Classification Scheme 2023. Collection method: clinical testing. Allele origin: germline.
Comment: The p.R1284H variant (also known as c.3851G>A), located in coding exon 22 of the TTN gene, results from a G to A substitution at nucleotide position 3851. The arginine at codon 1284 is replaced by histidine, an amino acid with highly similar properties. This amino acid position is highly conserved in available vertebrate species. In addition, the in silico prediction for this alteration is inconclusive. Since supporting evidence is limited at this time, the clinical significance of this alteration remains unclear.

Labcorp Genetics (formerly Invitae), Labcorp
Classification: Uncertain significance for Dilated cardiomyopathy 1G; Autosomal recessive limb-girdle muscular dystrophy type 2J. Last evaluated: 2017-10-27. Review status: criteria provided, single submitter. Criteria: Invitae Variant Classification Sherloc (09022015). Collection method: clinical testing. Allele origin: germline.

Laboratory for Molecular Medicine, Mass General Brigham Personalized Medicine
Classification: Uncertain significance. Last evaluated: 2017-08-04. Review status: criteria provided, single submitter. Criteria: LMM Criteria. Collection method: clinical testing. Allele origin: germline. Observed: 1 variant allele.
Comment: The p.Arg1330His variant in TTN has not been previously reported in individuals with cardiomyopathy, but has been identified in 7/110486 European chromosomes by the Genome Aggregation Database (gnomAD; dbSN P rs761402128). Computational prediction tools and conservation analysis do not provide strong support for or against an impact to the protein. In summary, the clinical significance of the p.Arg1330His variant is uncertain.

GeneDx
Classification: Likely benign. Last evaluated: 2017-03-13. Review status: criteria provided, single submitter. Criteria: GeneDx Variant Classification (06012015). Collection method: clinical testing. Allele origin: germline. Affected: yes.
Comment: This variant is considered likely benign or benign based on one or more of the following criteria: it is a conservative change, it occurs at a poorly conserved position in the protein, it is predicted to be benign by multiple in silico algorithms, and/or has population frequency not consistent with disease.

Clinical Genetics DNA and cytogenetics Diagnostics Lab, Erasmus MC, Erasmus Medical Center
Classification: Uncertain significance. Review status: no assertion criteria provided. Collection method: clinical testing. Allele origin: germline. Affected: yes. Study: VKGL Data-share Consensus. Not counted in ClinVar's aggregate classification.

Genome Diagnostics Laboratory, University Medical Center Utrecht
Classification: Uncertain significance. Review status: no assertion criteria provided. Collection method: clinical testing. Allele origin: germline. Affected: yes. Study: VKGL Data-share Consensus. Not counted in ClinVar's aggregate classification.

Joint Genome Diagnostic Labs from Nijmegen and Maastricht, Radboudumc and MUMC+
Classification: Uncertain significance. Review status: no assertion criteria provided. Collection method: clinical testing. Allele origin: germline. Affected: yes. Study: VKGL Data-share Consensus. Not counted in ClinVar's aggregate classification.